The following is an entry in ClinVar:

ClinVar aggregate classification (germline): Likely benign. Review status: criteria provided, multiple submitters, no conflicts (2 of 4 stars). 3 submissions from 3 submitters: Likely benign (2). 1 of the submissions does not count toward it. Last evaluated 2025-10-29.

Conditions:
PURA-related severe neonatal hypotonia-seizures-encephalopathy syndrome (NEDRIHF). Also called: NEURODEVELOPMENTAL DISORDER WITH NEONATAL RESPIRATORY INSUFFICIENCY, HYPOTONIA, AND FEEDING DIFFICULTIES; PURA-Related Neurodevelopmental Disorders. Identifiers: Orphanet 438213, Orphanet 438216, MedGen C4015357, MONDO:1060108, OMIM 616158, MONDO:0018580.

Submissions (3):

Labcorp Genetics (formerly Invitae), Labcorp
Classification: Likely benign for PURA-related severe neonatal hypotonia-seizures-encephalopathy syndrome. Last evaluated: 2025-10-29. Review status: criteria provided, single submitter. Criteria: Invitae Variant Classification Sherloc (09022015). Collection method: clinical testing. Allele origin: germline.

GeneDx
Classification: Likely benign. Last evaluated: 2018-12-10. Review status: criteria provided, single submitter. Criteria: GeneDx Variant Classification Process June 2021. Collection method: clinical testing. Allele origin: germline. Affected: yes.

Department of Pathology and Laboratory Medicine, Sinai Health System
Classification: Likely benign. Review status: no assertion criteria provided. Collection method: clinical testing. Allele origin: unknown. Affected: yes. Study: The Canadian Open Genetics Repository (COGR). Not counted in ClinVar's aggregate classification.
Comment: The PURA p.Gly42_Gly49del variant was not identified in the literature but was identified in dbSNP (ID: rs1014354489) and ClinVar (classified as likely benign by Invitae). The variant was identified in control databases in 5 of 35864 chromosomes at a frequency of 0.0001394 (Genome Aggregation Database March 6, 2019, v2.1.1). The variant was observed in the following populations: South Asian in 2 of 1530 chromosomes (freq: 0.001307) and European (non-Finnish) in 3 of 18170 chromosomes (freq: 0.000165), but was not observed in the African, Latino, Ashkenazi Jewish, East Asian, European (Finnish), or Other populations. This is greater than the expected frequency for the severe, early-onset autosomal dominant PURA-Related Neurodevelopmental Disorders. This variant is an in-frame deletion resulting in the removal of glycine (gly) residues from codon 42 to 49; the impact of this alteration on PURA protein function is not known however this occurs within a glycine repeat region. The variant occurs outside of the splicing consensus sequence and in silico or computational prediction software programs (SpliceSiteFinder, MaxEntScan, NNSPLICE, GeneSplicer) do not predict a difference in splicing. In summary, based on the above information the clinical significance of this variant cannot be determined with certainty at this time although we would lean towards a more benign role for this variant. This variant is classified as likely benign.

NM_005859.5(PURA):c.123_146del (p.Gly42_Gly49del)

Gene: PURA (purine rich element binding protein A; plus strand). Cytogenetic location: 5q31.3.
Variant type: Deletion.
Coding change: c.123_146del on transcript NM_005859.5 (MANE Select); coding-DNA positions 123 to 146, 24 bases deleted (CGGCAGTGGCGGCGGCGGCGGCGG).
Protein change: p.Gly42_Gly49del.
Molecular consequence: inframe deletion.
Genome position (GRCh38, 1-based): chr5:140,114,304-140,114,327, CGGCAGTGGCGGCGGCGGCGGCGG deleted; deleting any 24 consecutive bases within chr5:140,114,296-140,114,327 gives the same sequence; the c. name uses the placement nearest the transcript's 3' end. VCF-style (leftmost placement, unchanged base first): chr5-140114295-GGGCGGCGGCGGCAGTGGCGGCGGC-G. GRCh37 (hg19) VCF-style: chr5-139493880-GGGCGGCGGCGGCAGTGGCGGCGGC-G.
Identifiers: ClinVar variation 475284 (VCV000475284.16), dbSNP rs750397204, ClinGen allele CA128789394.
Genomic context (GRCh38, chr5:140,114,295, plus strand): 5'-CGGCTCCCTGGGGCACCCCGGCTCGGGCTCAGGCTCCGGCGGGGGCGGTGGTGGCGGCGG[GGGCGGCGGCGGCAGTGGCGGCGGC>G]GGCGGCGGGGCCCCAGGGGGGCTGCAGCACGAGACGCAGGAGCTGGCCTCCAAGCGGGTG-3'